The following is an entry in ClinVar:

NM_002582.4(PARN):c.1075A>C (p.Lys359Gln)

Gene: PARN (poly(A)-specific ribonuclease; minus strand). Cytogenetic location: 16p13.12.
Variant type: single nucleotide variant.
Coding change: c.1075A>C on transcript NM_002582.4 (MANE Select); coding-DNA position 1075, A replaced by C.
Protein change: p.Lys359Gln; replaces lysine 359 with glutamine.
Molecular consequence: missense variant.
Genome position (GRCh38, 1-based): chr16:14,584,353, T>G on the plus strand (A>C on the coding strand, the complement: PARN is on the minus strand). VCF-style: chr16-14584353-T-G. GRCh37 (hg19) VCF-style: chr16-14678210-T-G.
Other names: c.892A>C, p.Lys298Gln (NM_001134477.3); c.937A>C, p.Lys313Gln (NM_001242992.2); short protein forms K359Q, K313Q, K298Q.
Identifiers: ClinVar variation 1974726 (VCV001974726.5), dbSNP rs192893173, ClinGen allele CA394802703.

ClinVar aggregate classification (germline): Uncertain significance (1 of 4 stars; one submission).

Conditions:
Dyskeratosis congenita, autosomal recessive 6 (DKCB6). Identifiers: MedGen C4225356, MONDO:0014600, OMIM 616353.
Pulmonary fibrosis and/or bone marrow failure, Telomere-related, 4. Also called: PULMONARY FIBROSIS AND/OR BONE MARROW FAILURE SYNDROME, TELOMERE-RELATED, 4. Identifiers: Orphanet 2032, MedGen C4225347, MONDO:0014612, OMIM 616371.

Submission:

Labcorp Genetics (formerly Invitae), Labcorp
Classification: Uncertain significance for Dyskeratosis congenita, autosomal recessive 6; Pulmonary fibrosis and/or bone marrow failure, Telomere-related, 4. Last evaluated: 2022-06-09. Review status: criteria provided, single submitter. Criteria: Invitae Variant Classification Sherloc (09022015). Collection method: clinical testing. Allele origin: germline.
Comment: In summary, the available evidence is currently insufficient to determine the role of this variant in disease. Therefore, it has been classified as a Variant of Uncertain Significance. Algorithms developed to predict the effect of missense changes on protein structure and function (SIFT, PolyPhen-2, Align-GVGD) all suggest that this variant is likely to be tolerated. This variant has not been reported in the literature in individuals affected with PARN-related conditions. This variant is not present in population databases (gnomAD no frequency). This sequence change replaces lysine, which is basic and polar, with glutamine, which is neutral and polar, at codon 359 of the PARN protein (p.Lys359Gln).